The following is an entry in ClinVar:

ClinVar aggregate classification (germline): Benign/Likely benign. Review status: criteria provided, multiple submitters, no conflicts (2 of 4 stars). 5 submissions from 5 submitters: Benign (1); Likely benign (4). Last evaluated 2025-02-10.

Conditions:
Familial cancer of breast. Also called: BREAST CANCER, FAMILIAL; Hereditary breast cancer; hereditary breast carcinoma. Identifiers: Orphanet 227535, MedGen C0346153, MONDO:0016419, OMIM 114480. Disease mechanism: loss of function.
Ovarian cancer. Also called: OVARIAN CANCER, SOMATIC. Identifiers: Orphanet 213500, MedGen C1140680, MONDO:0008170, OMIM 167000.
Hereditary cancer-predisposing syndrome. Also called: Hereditary Cancer Syndrome; Tumor predisposition; Neoplastic Syndromes, Hereditary; Hereditary neoplastic syndrome. Identifiers: Orphanet 140162, MedGen C0027672, MeSH D009386, MONDO:0015356.
Hereditary diffuse gastric adenocarcinoma (HDGC). Also called: DIFFUSE GASTRIC AND LOBULAR BREAST CANCER SYNDROME. Identifiers: Orphanet 26106, MedGen C1708349, MONDO:0007648, OMIM 137215.

gnomAD v4.1: 4 of 1,614,200 alleles (0.00025%); highest among the groups gnomAD compares: Non-Finnish European, 0.00034%; no homozygotes.

Submissions (5):

Labcorp Genetics (formerly Invitae), Labcorp
Classification: Likely benign for Hereditary diffuse gastric adenocarcinoma. Last evaluated: 2025-02-10. Review status: criteria provided, single submitter. Criteria: Invitae Variant Classification Sherloc (09022015). Collection method: clinical testing. Allele origin: germline.

Myriad Genetics, Inc.
Classification: Benign for Hereditary diffuse gastric adenocarcinoma. Last evaluated: 2024-09-13. Review status: criteria provided, single submitter. Criteria: Myriad Autosomal Dominant, Autosomal Recessive and X-Linked Classification Criteria (2023). Collection method: clinical testing. Allele origin: unknown.
Comment: This variant is considered benign. This variant is a silent/synonymous amino acid change and it is not expected to impact splicing.

Department of Pathology and Laboratory Medicine, Sinai Health System
Classification: Likely benign for Familial cancer of breast; Ovarian cancer. Last evaluated: 2022-03-10. Review status: criteria provided, single submitter. Criteria: ACMG Guidelines, 2015. Collection method: clinical testing. Allele origin: germline. Affected: yes.

GeneDx
Classification: Likely benign. Last evaluated: 2017-08-07. Review status: criteria provided, single submitter. Criteria: GeneDx Variant Classification (06012015). Collection method: clinical testing. Allele origin: germline. Affected: yes.
Comment: This variant is considered likely benign or benign based on one or more of the following criteria: it is a conservative change, it occurs at a poorly conserved position in the protein, it is predicted to be benign by multiple in silico algorithms, and/or has population frequency not consistent with disease.

Ambry Genetics
Classification: Likely benign for Hereditary cancer-predisposing syndrome. Last evaluated: 2015-12-29. Review status: criteria provided, single submitter. Criteria: Ambry Variant Classification Scheme 2023. Collection method: clinical testing. Allele origin: germline.

NM_004360.5(CDH1):c.546A>G (p.Lys182=)

Gene: CDH1 (cadherin 1; plus strand). Cytogenetic location: 16q22.1.
Variant type: single nucleotide variant.
Coding change: c.546A>G on transcript NM_004360.5 (MANE Select); coding-DNA position 546, A replaced by G.
Protein change: p.Lys182=; no amino-acid change (lysine 182 retained).
Molecular consequence: synonymous variant. On other transcripts: 5 prime UTR variant (2).
Genome position (GRCh38, 1-based): chr16:68,808,707, A>G. VCF-style: chr16-68808707-A-G. GRCh37 (hg19) VCF-style: chr16-68842610-A-G.
Other names: c.546A>G (LRG_301t1, NM_004360.4); c.546A>G, p.Lys182= (NM_001317184.2); c.-1070A>G (NM_001317185.2); c.-1274A>G (NM_001317186.2).
Identifiers: ClinVar variation 511362 (VCV000511362.14), dbSNP rs201141645, ClinGen allele CA496392351.